The following is an entry in ClinVar:

NM_013432.5(TONSL):c.2437G>A (p.Gly813Ser)

Genes: TONSL (tonsoku like, DNA repair protein; minus strand), TONSL-AS1 (TONSL antisense RNA 1; plus strand). Cytogenetic location: 8q24.3.
Variant type: single nucleotide variant.
Coding change: c.2437G>A on transcript NM_013432.5 (MANE Select); coding-DNA position 2437, G replaced by A.
Protein change: p.Gly813Ser; replaces glycine 813 with serine.
Molecular consequence: missense variant.
Genome position (GRCh38, 1-based): chr8:144,435,996, C>T on the plus strand (G>A on the coding strand, the complement: TONSL is on the minus strand). VCF-style: chr8-144435996-C-T. GRCh37 (hg19) VCF-style: chr8-145661379-C-T.
Other names: short protein forms G813S.
Identifiers: ClinVar variation 2051214 (VCV002051214.4), dbSNP rs751700747, ClinGen allele CA4942830.

ClinVar aggregate classification (germline): Uncertain significance (1 of 4 stars; one submission).

Allele frequency attached by ClinVar (database versions not stated): gnomAD exomes below 0.00001; TOPMed 0.00001; ExAC 0.00002.
gnomAD v4.1: 1 of 1,551,460 alleles (0.000064%); highest among the groups gnomAD compares: Non-Finnish European, 0.000087%; no homozygotes.

Submission:

Labcorp Genetics (formerly Invitae), Labcorp
Classification: Uncertain significance. Last evaluated: 2021-12-21. Review status: criteria provided, single submitter. Criteria: Invitae Variant Classification Sherloc (09022015). Collection method: clinical testing. Allele origin: germline.
Comment: In summary, the available evidence is currently insufficient to determine the role of this variant in disease. Therefore, it has been classified as a Variant of Uncertain Significance. Algorithms developed to predict the effect of missense changes on protein structure and function output the following: SIFT: "Tolerated"; PolyPhen-2: "Benign"; Align-GVGD: "Class C0". The serine amino acid residue is found in multiple mammalian species, which suggests that this missense change does not adversely affect protein function. This variant has not been reported in the literature in individuals affected with TONSL-related conditions. This variant is not present in population databases (gnomAD no frequency). This sequence change replaces glycine, which is neutral and non-polar, with serine, which is neutral and polar, at codon 813 of the TONSL protein (p.Gly813Ser).